The following is an entry in ClinVar:

ClinVar aggregate classification (germline): Uncertain significance. Review status: criteria provided, multiple submitters, no conflicts (2 of 4 stars). 2 submissions from 2 submitters: Uncertain significance (2). Last evaluated 2023-11-27.

Allele frequency attached by ClinVar (database versions not stated): ExAC 0.00002; gnomAD exomes 0.00002 and 0.00003; gnomAD 0.00004.
gnomAD v4.1: 53 of 1,609,714 alleles (0.0033%); highest among the groups gnomAD compares: Middle Eastern, 0.066%; no homozygotes.

Submissions (2):

Labcorp Genetics (formerly Invitae), Labcorp
Classification: Uncertain significance. Last evaluated: 2023-11-27. Review status: criteria provided, single submitter. Criteria: Invitae Variant Classification Sherloc (09022015). Collection method: clinical testing. Allele origin: germline.
Comment: This sequence change falls in intron 7 of the HTT gene. It does not directly change the encoded amino acid sequence of the HTT protein. It affects a nucleotide within the consensus splice site. This variant is present in population databases (rs777207341, gnomAD 0.003%). This variant has not been reported in the literature in individuals affected with HTT-related conditions. ClinVar contains an entry for this variant (Variation ID: 1345071). Variants that disrupt the consensus splice site are a relatively common cause of aberrant splicing (PMID: 17576681, 9536098). Algorithms developed to predict the effect of sequence changes on RNA splicing suggest that this variant is not likely to affect RNA splicing. In summary, the available evidence is currently insufficient to determine the role of this variant in disease. Therefore, it has been classified as a Variant of Uncertain Significance.

Breakthrough Genomics
Classification: Uncertain significance. Review status: criteria provided, single submitter. Criteria: ACMG Guidelines, 2015. Collection method: not provided. Allele origin: germline. Inheritance: Autosomal recessive inheritance. Affected: yes.

Literature cited by the submitters: PubMed 17576681 (cited by Labcorp Genetics (formerly Invitae), Labcorp); PubMed 9536098 (cited by Labcorp Genetics (formerly Invitae), Labcorp).

NM_001388492.1(HTT):c.889+6G>T

Gene: HTT (huntingtin; plus strand). Cytogenetic location: 4p16.3.
Variant type: single nucleotide variant.
Coding change: c.889+6G>T on transcript NM_001388492.1 (MANE Select); 6 bases into the intron after coding-DNA position 889, G replaced by T.
Molecular consequence: intron variant.
Genome position (GRCh38, 1-based): chr4:3,115,451, G>T. VCF-style: chr4-3115451-G-T. GRCh37 (hg19) VCF-style: chr4-3117178-G-T.
Other names: c.889+6G>T (NM_002111.8).
Identifiers: ClinVar variation 1345071 (VCV001345071.7), dbSNP rs777207341, ClinGen allele CA2823375.